The following is an entry in ClinVar:

ClinVar aggregate classification (germline): Conflicting classifications of pathogenicity. Review status: criteria provided, conflicting classifications (1 of 4 stars). 5 submissions from 5 submitters: Uncertain significance (2); Likely benign (1). 2 of the submissions do not count toward it. Last evaluated 2026-01-26.

Conditions:
Brugada syndrome. Also called: Sudden unexplained nocturnal death syndrome; Sudden unexpected nocturnal death syndrome; Sudden Unexplained Death Syndrome; Sudden Unexplained Nocturnal Death Syndrome (SUNDS). Identifiers: Orphanet 130, MedGen C1142166, MONDO:0015263.
Cardiovascular phenotype. Identifiers: MedGen CN230736.

Allele frequency attached by ClinVar (database versions not stated): 1000 Genomes Project 0.00020; ExAC 0.00021; gnomAD exomes 0.00023 and 0.00065; 1000 Genomes Project 30x 0.00031; gnomAD 0.00046 and 0.00047; TOPMed 0.00051; ESP Exome Variant Server 0.00069.
gnomAD v4.1: 1,010 of 1,611,950 alleles (0.063%); highest among the groups gnomAD compares: Non-Finnish European, 0.079%; 1 homozygote.

Submissions (5):

Labcorp Genetics (formerly Invitae), Labcorp
Classification: Uncertain significance for Brugada syndrome. Last evaluated: 2026-01-26. Review status: criteria provided, single submitter. Criteria: Invitae Variant Classification Sherloc (09022015). Collection method: clinical testing. Allele origin: germline.
Comment: This sequence change replaces threonine, which is neutral and polar, with serine, which is neutral and polar, at codon 923 of the CACNA2D1 protein (p.Thr923Ser). This variant is present in population databases (rs139608070, gnomAD 0.05%), and has an allele count higher than expected for a pathogenic variant. This variant has not been reported in the literature in individuals affected with CACNA2D1-related conditions. ClinVar contains an entry for this variant (Variation ID: 518537). An algorithm developed to predict the effect of missense changes on protein structure and function (PolyPhen-2) suggests that this variant is likely to be tolerated. In summary, the available evidence is currently insufficient to determine the role of this variant in disease. Therefore, it has been classified as a Variant of Uncertain Significance.

Mayo Clinic Laboratories, Mayo Clinic
Classification: Uncertain significance. Last evaluated: 2024-02-20. Review status: criteria provided, single submitter. Criteria: ACMG Guidelines, 2015. Collection method: clinical testing. Allele origin: germline. Observed: 2 variant alleles.
Comment: BP4, PP2

Ambry Genetics
Classification: Likely benign for Cardiovascular phenotype. Last evaluated: 2022-11-10. Review status: criteria provided, single submitter. Criteria: Ambry Variant Classification Scheme 2023. Collection method: clinical testing. Allele origin: germline.

Clinical Genetics, Academic Medical Center
Classification: Likely benign. Review status: no assertion criteria provided. Collection method: clinical testing. Allele origin: germline. Affected: yes. Study: VKGL Data-share Consensus. Not counted in ClinVar's aggregate classification.

Joint Genome Diagnostic Labs from Nijmegen and Maastricht, Radboudumc and MUMC+
Classification: Likely benign. Review status: no assertion criteria provided. Collection method: clinical testing. Allele origin: germline. Affected: yes. Study: VKGL Data-share Consensus. Not counted in ClinVar's aggregate classification.

NM_000722.4(CACNA2D1):c.2768C>G (p.Thr923Ser)

Gene: CACNA2D1 (calcium voltage-gated channel auxiliary subunit alpha2delta 1; minus strand). Cytogenetic location: 7q21.11.
Variant type: single nucleotide variant.
Coding change: c.2768C>G on transcript NM_000722.4 (MANE Select); coding-DNA position 2768, C replaced by G.
Protein change: p.Thr923Ser; replaces threonine 923 with serine.
Molecular consequence: missense variant.
Genome position (GRCh38, 1-based): chr7:81,964,068, G>C on the plus strand (C>G on the coding strand, the complement: CACNA2D1 is on the minus strand). VCF-style: chr7-81964068-G-C. GRCh37 (hg19) VCF-style: chr7-81593384-G-C.
Other names: p.Thr923Ser; c.2804C>G, p.Thr935Ser (NM_001366867.1); c.2768C>G (LRG_437t1); short protein forms T923S, T935S.
Identifiers: ClinVar variation 518537 (VCV000518537.18), dbSNP rs139608070, ClinGen allele CA4317511.